The following is an entry in ClinVar:

NM_001134673.4(NFIA):c.834C>G (p.Leu278=)

Gene: NFIA (nuclear factor I A; plus strand). Cytogenetic location: 1p31.3.
Variant type: single nucleotide variant.
Coding change: c.834C>G on transcript NM_001134673.4 (MANE Select); coding-DNA position 834, C replaced by G.
Protein change: p.Leu278=; no amino-acid change (leucine 278 retained).
Molecular consequence: synonymous variant.
Genome position (GRCh38, 1-based): chr1:61,359,162, C>G. VCF-style: chr1-61359162-C-G. GRCh37 (hg19) VCF-style: chr1-61824834-C-G.
Other names: c.810C>G, p.Leu270= (NM_001145511.2); c.969C>G, p.Leu323= (NM_001145512.2); c.834C>G, p.Leu278= (NM_005595.5).
Identifiers: ClinVar variation 3041453 (VCV003041453.2), dbSNP rs2525136892, ClinGen allele CA418153556.

ClinVar aggregate classification (germline): Likely benign (0 of 4 stars; one submission).

Conditions:
NFIA-Related Disorder. Also called: NFIA-related condition; NFIA-related disorders. Identifiers: MedGen CN381099.

Allele frequency attached by ClinVar (database versions not stated): gnomAD exomes below 0.00001.
gnomAD v4.1: 1 of 1,613,382 alleles (0.000062%); highest among the groups gnomAD compares: Non-Finnish European, 0.000085%; no homozygotes.

Submission:

PreventionGenetics, part of Exact Sciences
Classification: Likely benign for NFIA-related condition. Last evaluated: 2019-05-10. Review status: no assertion criteria provided. Collection method: clinical testing. Allele origin: germline.
Comment: This variant is classified as likely benign based on ACMG/AMP sequence variant interpretation guidelines (Richards et al. 2015 PMID: 25741868, with internal and published modifications).